The following is an entry in ClinVar:

NM_002905.5(RDH5):c.481A>G (p.Ile161Val)

Genes: BLOC1S1-RDH5 (BLOC1S1-RDH5 readthrough; plus strand), RDH5 (retinol dehydrogenase 5; plus strand). Cytogenetic location: 12q13.2.
Variant type: single nucleotide variant.
Coding change: c.481A>G on transcript NM_002905.5 (MANE Select); coding-DNA position 481, A replaced by G.
Protein change: p.Ile161Val; replaces isoleucine 161 with valine.
Molecular consequence: missense variant. On other transcripts: non-coding transcript variant (1).
Genome position (GRCh38, 1-based): chr12:55,721,859, A>G. VCF-style: chr12-55721859-A-G. GRCh37 (hg19) VCF-style: chr12-56115643-A-G.
Other names: c.481A>G, p.Ile161Val (NM_001199771.3); short protein forms I161V.
Identifiers: ClinVar variation 309813 (VCV000309813.17), dbSNP rs61733970, ClinGen allele CA6616848.
Genomic context (GRCh38, chr12:55,721,859, plus strand): 5'-ATCGGGGTCACCCTTGCCCTGCTGCCTCTGCTGCAGCAAGCCCGGGGCCGGGTGATCAAC[A>G]TCACCAGCGTCCTGGGTCGCCTGGCAGCCAATGGTGGGGGCTACTGTGTCTCCAAATTTG-3'
Protein context (NP_002896.2, residues 151-171): LQQARGRVIN[Ile161Val]TSVLGRLAAN

ClinVar aggregate classification (germline): Benign/Likely benign. Review status: criteria provided, multiple submitters, no conflicts (2 of 4 stars). 4 submissions from 4 submitters: Benign (1); Likely benign (3). Last evaluated 2026-01-23.

Conditions:
Pigmentary retinal dystrophy. Also called: Fundus albipunctatus. Identifiers: Orphanet 227796, Orphanet 52427, MedGen C0311338, MONDO:0007639, OMIM 136880, HP:0030642.

Allele frequency attached by ClinVar (database versions not stated): gnomAD exomes 0.00268; ExAC 0.00346; gnomAD 0.01024 and 0.01087; ESP Exome Variant Server 0.01130; TOPMed 0.01196; 1000 Genomes Project 0.01518; 1000 Genomes Project 30x 0.01671.
gnomAD v4.1: 2,999 of 1,614,044 alleles (0.19%); highest among the groups gnomAD compares: African/African-American, 3.4%; 45 homozygotes.

Submissions (4):

Labcorp Genetics (formerly Invitae), Labcorp
Classification: Benign. Last evaluated: 2026-01-23. Review status: criteria provided, single submitter. Criteria: Invitae Variant Classification Sherloc (09022015). Collection method: clinical testing. Allele origin: germline.

GeneDx
Classification: Likely benign. Last evaluated: 2021-05-06. Review status: criteria provided, single submitter. Criteria: GeneDx Variant Classification Process June 2021. Collection method: clinical testing. Allele origin: germline. Affected: yes.

Illumina Laboratory Services, Illumina
Classification: Likely benign for Pigmentary retinal dystrophy. Last evaluated: 2018-01-12. Review status: criteria provided, single submitter. Criteria: ICSL Variant Classification Criteria 13 December 2019. Collection method: clinical testing. Allele origin: germline.
Comment: This variant was observed in the ICSL laboratory as part of a predisposition screen in an ostensibly healthy population. It had not been previously curated by ICSL or reported in the Human Gene Mutation Database (HGMD: prior to June 1st, 2018), and was therefore a candidate for classification through an automated scoring system. Utilizing variant allele frequency, disease prevalence and penetrance estimates, and inheritance mode, an automated score was calculated to assess if this variant is too frequent to cause the disease. Based on the score and internal cut-off values, a variant classified as likely benign is not then subjected to further curation. The score for this variant resulted in a classification of likely benign for this disease.

Breakthrough Genomics
Classification: Likely benign. Review status: criteria provided, single submitter. Criteria: ACMG Guidelines, 2015. Collection method: not provided. Allele origin: germline. Inheritance: Autosomal dominant inheritance. Affected: yes.